The following is an entry in ClinVar:

NM_000059.4(BRCA2):c.6791dup (p.Leu2264fs)

Gene: BRCA2 (BRCA2 DNA repair associated; plus strand). Cytogenetic location: 13q13.1.
Variant type: Duplication.
Coding change: c.6791dup on transcript NM_000059.4 (MANE Select); coding-DNA position 6791, one base duplicated (T; older notation c.6791dupT).
Protein change: p.Leu2264fs; shifts the reading frame from leucine 2264.
Molecular consequence: frameshift variant.
Genome position (GRCh38, 1-based): chr13:32,341,146, T duplicated; the last of 4 consecutive T bases (chr13:32,341,143-32,341,146); duplicating any one gives the same sequence. VCF-style (leftmost placement, unchanged base first): chr13-32341142-G-GT. GRCh37 (hg19) VCF-style: chr13-32915279-G-GT.
Other names: short protein forms L2264fs.
Identifiers: ClinVar variation 1459572 (VCV001459572.6), dbSNP rs2137530688, ClinGen allele CA2573149197.

ClinVar aggregate classification (germline): Pathogenic (1 of 4 stars; one submission).

Conditions:
Hereditary breast ovarian cancer syndrome. Also called: Hereditary breast and ovarian cancer; Breast and ovarian cancer; BRCA1- and BRCA2-Associated Hereditary Breast and Ovarian Cancer; Hereditary breast and/or ovarian cancer syndrome; Hereditary breast and ovarian cancer syndrome; Hereditary breast and ovarian cancer syndrome (HBOC). Identifiers: Orphanet 145, MedGen C0677776, MeSH D061325, MONDO:0003582. Disease mechanism: loss of function.

Submission:

Labcorp Genetics (formerly Invitae), Labcorp
Classification: Pathogenic for Hereditary breast ovarian cancer syndrome. Last evaluated: 2021-07-28. Review status: criteria provided, single submitter. Criteria: Invitae Variant Classification Sherloc (09022015). Collection method: clinical testing. Allele origin: germline.
Comment: For these reasons, this variant has been classified as Pathogenic. This variant has not been reported in the literature in individuals affected with BRCA2-related conditions. This variant is not present in population databases (ExAC no frequency). This sequence change creates a premature translational stop signal (p.Leu2264Phefs*29) in the BRCA2 gene. It is expected to result in an absent or disrupted protein product. Loss-of-function variants in BRCA2 are known to be pathogenic (PMID: 20104584).

Literature cited by the submitters: PubMed 20104584.